The following is an entry in ClinVar:

ClinVar aggregate classification (germline): Uncertain significance (1 of 4 stars; one submission).

Allele frequency attached by ClinVar (database versions not stated): gnomAD exomes below 0.00001.
gnomAD v4.1: 1 of 1,614,186 alleles (0.000062%); no homozygotes.

Submission:

Labcorp Genetics (formerly Invitae), Labcorp
Classification: Uncertain significance. Last evaluated: 2021-09-10. Review status: criteria provided, single submitter. Criteria: Invitae Variant Classification Sherloc (09022015). Collection method: clinical testing. Allele origin: germline.
Comment: Algorithms developed to predict the effect of missense changes on protein structure and function are either unavailable or do not agree on the potential impact of this missense change (SIFT: "Tolerated"; PolyPhen-2: "Possibly Damaging"; Align-GVGD: "Class C0"). In summary, the available evidence is currently insufficient to determine the role of this variant in disease. Therefore, it has been classified as a Variant of Uncertain Significance. This variant has not been reported in the literature in individuals affected with RP1-related conditions. This sequence change replaces isoleucine with methionine at codon 408 of the RP1 protein (p.Ile408Met). The isoleucine residue is moderately conserved and there is a small physicochemical difference between isoleucine and methionine. This variant is not present in population databases (ExAC no frequency).

NM_006269.2(RP1):c.1224A>G (p.Ile408Met)

Gene: RP1 (RP1 axonemal microtubule associated; plus strand). Cytogenetic location: 8q12.1.
Variant type: single nucleotide variant.
Coding change: c.1224A>G on transcript NM_006269.2 (MANE Select); coding-DNA position 1224, A replaced by G.
Protein change: p.Ile408Met; replaces isoleucine 408 with methionine.
Molecular consequence: missense variant. On other transcripts: intron variant (1).
Genome position (GRCh38, 1-based): chr8:54,625,106, A>G. VCF-style: chr8-54625106-A-G. GRCh37 (hg19) VCF-style: chr8-55537666-A-G.
Other names: c.787+2818A>G (NM_001375654.1); short protein forms I408M.
Identifiers: ClinVar variation 1415720 (VCV001415720.6), dbSNP rs2129316000, ClinGen allele CA370989593.